The following is an entry in ClinVar:

ClinVar aggregate classification (germline): Likely pathogenic (1 of 4 stars; one submission).

Conditions:
Intellectual developmental disorder, autosomal recessive 74 (MRT74). Also called: Sotos syndrome 3. Identifiers: MedGen C4310684, MONDO:0014951, OMIM 617169.

Submission:

Victorian Clinical Genetics Services, Murdoch Childrens Research Institute
Classification: Likely pathogenic for Intellectual developmental disorder, autosomal recessive 74. Last evaluated: 2023-07-17. Review status: criteria provided, single submitter. Criteria: ACMG Guidelines, 2015. Collection method: clinical testing. Allele origin: germline. Inheritance: Autosomal recessive inheritance. Affected: yes.
Comment: Based on the classification scheme VCGS_Germline_v1.3.4, this variant is classified as Likely pathogenic. Following criteria are met: 0102 - Loss of function is a known mechanism of disease in this gene and is associated with cortical dysplasia, complex, with other brain malformations 10 (MIM#618677). (I) 0106 - This gene is associated with autosomal recessive disease. (I) 0115 - Variants in this gene are known to have variable expressivity. Intra-familial varibility has been reported (PMID: 31585108). (I) 0201 - Variant is predicted to cause nonsense-mediated decay (NMD) and loss of protein (premature termination codon is located at least 54 nucleotides upstream of the final exon-exon junction). (SP) 0251 - This variant is heterozygous. (I) 0301 - Variant is absent from gnomAD (both v2 and v3). (SP) 0703 - Other NMD predicted variants comparable to the one identified in this case have moderate previous evidence for pathogenicity. Three other NMD predicted variants have been reported as homozygous or compound heterozygous in individuals with lissencephaly (PMID: 31585108). (SP) 0807 - This variant has no previous evidence of pathogenicity. (I) 0905 - No published segregation evidence has been identified for this variant. (I) 1007 - No published functional evidence has been identified for this variant. (I) 1208 - Inheritance information for this variant is not currently available in this individual. (I) Legend: (SP) - Supporting pathogenic, (I) - Information, (SB) - Supporting benign

Literature cited by the submitters: PubMed 31585108.

NM_005883.3(APC2):c.409del (p.Glu137fs)

Gene: APC2 (APC regulator of WNT signaling pathway 2; plus strand). Cytogenetic location: 19p13.3.
Variant type: Deletion.
Coding change: c.409del on transcript NM_005883.3 (MANE Select); coding-DNA position 409, one base deleted (G; older notation c.409delG).
Protein change: p.Glu137fs; shifts the reading frame from glutamic acid 137.
Molecular consequence: frameshift variant.
Genome position (GRCh38, 1-based): chr19:1,453,607, G deleted; the last of 3 consecutive G bases (chr19:1,453,605-1,453,607); deleting any one gives the same sequence. VCF-style (leftmost placement, unchanged base first): chr19-1453604-CG-C. GRCh37 (hg19) VCF-style: chr19-1453603-CG-C.
Other names: c.409del, p.Glu137fs (NM_001351273.1); short protein forms E137fs.
Identifiers: ClinVar variation 3255193 (VCV003255193.1), dbSNP rs2512463430.